The following is an entry in ClinVar:

NM_000090.4(COL3A1):c.721G>A (p.Glu241Lys)

Gene: COL3A1 (collagen type III alpha 1 chain; plus strand). Cytogenetic location: 2q32.2.
Variant type: single nucleotide variant.
Coding change: c.721G>A on transcript NM_000090.4 (MANE Select); coding-DNA position 721, G replaced by A.
Protein change: p.Glu241Lys; replaces glutamic acid 241 with lysine.
Molecular consequence: missense variant.
Genome position (GRCh38, 1-based): chr2:188,990,126, G>A. VCF-style: chr2-188990126-G-A. GRCh37 (hg19) VCF-style: chr2-189854852-G-A.
Other names: short protein forms E241K.
Identifiers: ClinVar variation 529313 (VCV000529313.16), dbSNP rs1553507432, ClinGen allele CA349849021.

ClinVar aggregate classification (germline): Pathogenic/Likely pathogenic. Review status: criteria provided, multiple submitters, no conflicts (2 of 4 stars). 4 submissions from 4 submitters: Pathogenic (1); Likely pathogenic (3). Last evaluated 2025-12-28.

Conditions:
Cardiovascular phenotype. Identifiers: MedGen CN230736.
Ehlers-Danlos syndrome (EDS). Identifiers: Orphanet 98249, MedGen C0013720, MONDO:0020066.
Ehlers-Danlos syndrome, type 4 (EDSVASC). Also called: Ehlers-Danlos syndrome vascular type; Ehlers Danlos syndrome, ecchymotic type; Ehlers Danlos syndrome, arterial type; Ehlers Danlos syndrome, Sack-Barabas type; Ehlers-Danlos Syndrome Type IV. Identifiers: Orphanet 286, MedGen C0268338, MONDO:0017314, OMIM 130050.

Submissions (4):

Labcorp Genetics (formerly Invitae), Labcorp
Classification: Pathogenic for Ehlers-Danlos syndrome, type 4. Last evaluated: 2025-12-28. Review status: criteria provided, single submitter. Criteria: Invitae Variant Classification Sherloc (09022015). Collection method: clinical testing. Allele origin: germline.
Comment: This sequence change replaces glutamic acid, which is acidic and polar, with lysine, which is basic and polar, at codon 241 of the COL3A1 protein (p.Glu241Lys). This variant is not present in population databases (gnomAD no frequency). This missense change has been observed in individual(s) with clinical features of COL3A1-related conditions (PMID: 30837697; internal data). In at least one individual the variant was observed to be de novo. ClinVar contains an entry for this variant (Variation ID: 529313). Invitae Evidence Modeling of protein sequence and biophysical properties (such as structural, functional, and spatial information, amino acid conservation, physicochemical variation, residue mobility, and thermodynamic stability) has been performed for this missense variant. However, the output from this modeling did not meet the statistical confidence thresholds required to predict the impact of this variant on COL3A1 protein function. For these reasons, this variant has been classified as Pathogenic.

3billion
Classification: Likely pathogenic for Ehlers-Danlos syndrome, type 4. Last evaluated: 2025-12-18. Review status: criteria provided, single submitter. Criteria: ACMG Guidelines, 2015. Collection method: clinical testing. Allele origin: germline. Affected: yes.
Comment: The variant is not observed in the gnomAD v4.1.0 dataset. Predicted Consequence/Location: Missense variant The same nucleotide change resulting in the same amino acid change has been previously reported as pathogenic/likely pathogenic with strong evidence (ClinVar ID: VCV000529313 /PMID: 30837697). The variant has been previously reported as de novo in a similarly affected individual (PMID: 30837697). Therefore, this variant is classified as Likely pathogenic according to the recommendation of ACMG/AMP guideline.

Molecular Diagnostic Laboratory for Inherited Cardiovascular Disease, Montreal Heart Institute
Classification: Likely pathogenic for Cardiovascular phenotype. Last evaluated: 2025-10-24. Review status: criteria provided, single submitter. Criteria: ACMG Guidelines, 2015. Collection method: clinical testing. Allele origin: germline. Affected: yes.
Comment: PM2, PM6, PS4_supp, PP2

Genome Diagnostics Laboratory, The Hospital for Sick Children
Classification: Likely pathogenic for Ehlers-Danlos syndrome. Last evaluated: 2020-04-01. Review status: criteria provided, single submitter. Criteria: ACMG Guidelines, 2015. Collection method: clinical testing. Allele origin: germline.

Literature cited by the submitters: PubMed 30837697 (cited by Labcorp Genetics (formerly Invitae), Labcorp and 3billion).